The following is an entry in ClinVar:

NM_020975.6(RET):c.1432T>C (p.Cys478Arg)

Gene: RET (ret proto-oncogene; plus strand). Cytogenetic location: 10q11.21.
Variant type: single nucleotide variant.
Coding change: c.1432T>C on transcript NM_020975.6 (MANE Select); coding-DNA position 1432, T replaced by C.
Protein change: p.Cys478Arg; replaces cysteine 478 with arginine.
Molecular consequence: missense variant.
Genome position (GRCh38, 1-based): chr10:43,111,375, T>C. VCF-style: chr10-43111375-T-C. GRCh37 (hg19) VCF-style: chr10-43606823-T-C.
Other names: c.1432T>C, p.Cys478Arg (NM_000323.2, NM_001406743.1, NM_001406744.1 and 6 more transcripts); c.670T>C, p.Cys224Arg (NM_001355216.2); c.1303T>C, p.Cys435Arg (NM_001406761.1, NM_001406762.1, NM_001406764.1 and 1 more transcripts); c.1144T>C, p.Cys382Arg (NM_001406766.1, NM_001406767.1, NM_001406770.1); c.1036T>C, p.Cys346Arg (NM_001406769.1, NM_001406772.1); c.994T>C, p.Cys332Arg (NM_001406771.1, NM_001406773.1); c.907T>C, p.Cys303Arg (NM_001406774.1); c.706T>C, p.Cys236Arg (NM_001406775.1, NM_001406776.1, NM_001406777.1 and 1 more transcripts); and 1 more; short protein forms C478R, C224R, C303R, C236R, C346R, C435R, C148R, C332R.
Identifiers: ClinVar variation 936943 (VCV000936943.10), dbSNP rs1837921298, ClinGen allele CA376549577.

ClinVar aggregate classification (germline): Uncertain significance (1 of 4 stars; one submission).

Conditions:
Multiple endocrine neoplasia, type 2 (MEN2). Identifiers: Orphanet 653, MedGen C4048306, MONDO:0019003. Disease mechanism: gain of function.

Submission:

Labcorp Genetics (formerly Invitae), Labcorp
Classification: Uncertain significance for Multiple endocrine neoplasia, type 2. Last evaluated: 2024-10-26. Review status: criteria provided, single submitter. Criteria: Invitae Variant Classification Sherloc (09022015). Collection method: clinical testing. Allele origin: germline.
Comment: This sequence change replaces cysteine, which is neutral and slightly polar, with arginine, which is basic and polar, at codon 478 of the RET protein (p.Cys478Arg). This variant is not present in population databases (gnomAD no frequency). This variant has not been reported in the literature in individuals affected with RET-related conditions. ClinVar contains an entry for this variant (Variation ID: 936943). An algorithm developed to predict the effect of missense changes on protein structure and function (PolyPhen-2) suggests that this variant is likely to be disruptive. In summary, the available evidence is currently insufficient to determine the role of this variant in disease. Therefore, it has been classified as a Variant of Uncertain Significance.